The following is an entry in ClinVar:

NM_002755.4(MAP2K1):c.906G>T (p.Met302Ile)

Gene: MAP2K1 (mitogen-activated protein kinase kinase 1; plus strand). Cytogenetic location: 15q22.31.
Variant type: single nucleotide variant.
Coding change: c.906G>T on transcript NM_002755.4 (MANE Select); coding-DNA position 906, G replaced by T.
Protein change: p.Met302Ile; replaces methionine 302 with isoleucine.
Molecular consequence: missense variant.
Genome position (GRCh38, 1-based): chr15:66,487,238, G>T. VCF-style: chr15-66487238-G-T. GRCh37 (hg19) VCF-style: chr15-66779576-G-T.
Other names: c.762G>T, p.Met254Ile (NM_001411065.1); short protein forms M254I, M302I.
Identifiers: ClinVar variation 2149044 (VCV002149044.4), dbSNP rs1595887100, ClinGen allele CA392937483.

ClinVar aggregate classification (germline): Uncertain significance (1 of 4 stars; one submission).

Conditions:
RASopathy. Also called: rasopathies; Noonan spectrum disorder. Identifiers: Orphanet 536391, MedGen C5555857, MONDO:0021060.

Submission:

Labcorp Genetics (formerly Invitae), Labcorp
Classification: Uncertain significance for RASopathy. Last evaluated: 2022-01-03. Review status: criteria provided, single submitter. Criteria: Invitae Variant Classification Sherloc (09022015). Collection method: clinical testing. Allele origin: germline.
Comment: This sequence change replaces methionine, which is neutral and non-polar, with isoleucine, which is neutral and non-polar, at codon 302 of the MAP2K1 protein (p.Met302Ile). This variant is not present in population databases (gnomAD no frequency). This variant has not been reported in the literature in individuals affected with MAP2K1-related conditions. Advanced modeling of protein sequence and biophysical properties (such as structural, functional, and spatial information, amino acid conservation, physicochemical variation, residue mobility, and thermodynamic stability) performed at Invitae indicates that this missense variant is not expected to disrupt MAP2K1 protein function. In summary, the available evidence is currently insufficient to determine the role of this variant in disease. Therefore, it has been classified as a Variant of Uncertain Significance.